The following is an entry in ClinVar:

NM_030665.4(RAI1):c.4729C>A (p.Leu1577Ile)

Gene: RAI1 (retinoic acid induced 1; plus strand). Cytogenetic location: 17p11.2.
Variant type: single nucleotide variant.
Coding change: c.4729C>A on transcript NM_030665.4 (MANE Select); coding-DNA position 4729, C replaced by A.
Protein change: p.Leu1577Ile; replaces leucine 1577 with isoleucine.
Molecular consequence: missense variant.
Genome position (GRCh38, 1-based): chr17:17,797,677, C>A. VCF-style: chr17-17797677-C-A. GRCh37 (hg19) VCF-style: chr17-17700991-C-A.
Other names: short protein forms L1577I.
Identifiers: ClinVar variation 2814500 (VCV002814500.3), dbSNP rs1380515232, ClinGen allele CA398557363.
Genomic context (GRCh38, chr17:17,797,677, plus strand): 5'-GCCAAGCGACGACGACAGCAGCAGGTGCTGCCCCTGGATCCCGCAGAGCCTGAAATCCGC[C>A]TCAAGTACATTTCCTCTTGCAAGCGGCTGAGGTCAGACAGCCGGACCCCCGCCTTCTCAC-3'
Protein context (NP_109590.3, residues 1567-1587): PLDPAEPEIR[Leu1577Ile]KYISSCKRLR

ClinVar aggregate classification (germline): Uncertain significance (1 of 4 stars; one submission).

Submission:

Labcorp Genetics (formerly Invitae), Labcorp
Classification: Uncertain significance. Last evaluated: 2022-11-15. Review status: criteria provided, single submitter. Criteria: Invitae Variant Classification Sherloc (09022015). Collection method: clinical testing. Allele origin: germline.
Comment: In summary, the available evidence is currently insufficient to determine the role of this variant in disease. Therefore, it has been classified as a Variant of Uncertain Significance. Advanced modeling of protein sequence and biophysical properties (such as structural, functional, and spatial information, amino acid conservation, physicochemical variation, residue mobility, and thermodynamic stability) performed at Invitae indicates that this missense variant is expected to disrupt RAI1 protein function. This variant has not been reported in the literature in individuals affected with RAI1-related conditions. This variant is not present in population databases (gnomAD no frequency). This sequence change replaces leucine, which is neutral and non-polar, with isoleucine, which is neutral and non-polar, at codon 1577 of the RAI1 protein (p.Leu1577Ile).